The following is an entry in ClinVar:

ClinVar aggregate classification (germline): Uncertain significance (1 of 4 stars; one submission).

Allele frequency attached by ClinVar (database versions not stated): gnomAD exomes below 0.00001.

Submission:

Labcorp Genetics (formerly Invitae), Labcorp
Classification: Uncertain significance. Last evaluated: 2025-08-17. Review status: criteria provided, single submitter. Criteria: Invitae Variant Classification Sherloc (09022015). Collection method: clinical testing. Allele origin: germline.
Comment: This sequence change replaces arginine, which is basic and polar, with leucine, which is neutral and non-polar, at codon 652 of the NCSTN protein (p.Arg652Leu). This variant is present in population databases (no rsID available, gnomAD 0.0009%). This variant has not been reported in the literature in individuals affected with NCSTN-related conditions. ClinVar contains an entry for this variant (Variation ID: 1000995). Invitae Evidence Modeling of protein sequence and biophysical properties (such as structural, functional, and spatial information, amino acid conservation, physicochemical variation, residue mobility, and thermodynamic stability) indicates that this missense variant is expected to disrupt NCSTN protein function with a positive predictive value of 80%. In summary, the available evidence is currently insufficient to determine the role of this variant in disease. Therefore, it has been classified as a Variant of Uncertain Significance.

NM_015331.3(NCSTN):c.1955G>T (p.Arg652Leu)

Gene: NCSTN (nicastrin; plus strand). Cytogenetic location: 1q23.2.
Variant type: single nucleotide variant.
Coding change: c.1955G>T on transcript NM_015331.3 (MANE Select); coding-DNA position 1955, G replaced by T.
Protein change: p.Arg652Leu; replaces arginine 652 with leucine.
Molecular consequence: missense variant. On other transcripts: intron variant (1).
Genome position (GRCh38, 1-based): chr1:160,357,201, G>T. VCF-style: chr1-160357201-G-T. GRCh37 (hg19) VCF-style: chr1-160326991-G-T.
Other names: c.1895G>T, p.Arg632Leu (NM_001290184.2); c.1541G>T, p.Arg514Leu (NM_001290186.2); c.1794+447G>T (NM_001349729.2); short protein forms R514L, R632L, R652L.
Identifiers: ClinVar variation 1000995 (VCV001000995.8), dbSNP rs1360823479, ClinGen allele CA343283461.